The following is an entry in ClinVar:

ClinVar aggregate classification (germline): Pathogenic (1 of 4 stars; one submission).

Conditions:
Dihydropyrimidine dehydrogenase deficiency (DPYDD). Also called: DPD DEFICIENCY; DPYD DEFICIENCY; Hereditary Thymine-Uraciluria. Identifiers: Orphanet 1675, MedGen C1959620, MONDO:0010130, OMIM 274270.

Submission:

Myriad Genetics, Inc.
Classification: Pathogenic for Dihydropyrimidine dehydrogenase deficiency. Last evaluated: 2025-06-05. Review status: criteria provided, single submitter. Criteria: Myriad Autosomal Dominant, Autosomal Recessive and X-Linked Classification Criteria (2023). Collection method: clinical testing. Allele origin: unknown.
Comment: NM_000110.3(DPYD):c.2202_2206dup5(N736Tfs*8) is a frameshift variant classified as pathogenic in the context of dihydropyrimidine dehydrogenase deficiency. N736Tfs*8 has not been observed in cases with relevant disease. Relevant functional assessments of this variant are not available in the literature. N736Tfs*8 has not been observed in referenced population frequency databases. In summary, NM_000110.3(DPYD):c.2202_2206dup5(N736Tfs*8) is a frameshift variant in a gene where loss of function is a known mechanism of disease and is predicted to disrupt protein function. Please note: this variant was assessed in the context of healthy population screening.

NM_000110.4(DPYD):c.2202_2206dup (p.Asn736fs)

Genes: DPYD (dihydropyrimidine dehydrogenase; minus strand), DPYD-AS1 (DPYD antisense RNA 1; plus strand). Cytogenetic location: 1p21.3.
Variant type: Duplication.
Coding change: c.2202_2206dup on transcript NM_000110.4 (MANE Select); coding-DNA positions 2202 to 2206, 5 bases duplicated (CACCA; older notation c.2202_2206dupCACCA).
Protein change: p.Asn736fs; shifts the reading frame from asparagine 736.
Molecular consequence: frameshift variant.
Genome position (GRCh38, 1-based): chr1:97,305,352-97,305,356, TGGTG duplicated on the plus strand (CACCA on the coding strand, the reverse complement: DPYD is on the minus strand). VCF-style (leftmost placement, unchanged base first): chr1-97305351-T-TTGGTG. GRCh37 (hg19) VCF-style: chr1-97770907-T-TTGGTG.
Other names: short protein forms N736fs.
Identifiers: ClinVar variation 4081632 (VCV004081632.1).